The following is an entry in ClinVar:

ClinVar aggregate classification (germline): Likely benign. Review status: criteria provided, multiple submitters, no conflicts (2 of 4 stars). 2 submissions from 2 submitters: Likely benign (2). Last evaluated 2026-04-01.

Conditions:
Hereditary spastic paraplegia 45. Also called: Spastic paraplegia 45, autosomal recessive; SPASTIC PARAPLEGIA 45. Identifiers: Orphanet 320396, MedGen C3888209, MONDO:0013165, OMIM 613162.

Allele frequency attached by ClinVar (database versions not stated): ExAC 0.00002; gnomAD 0.00002 and 0.00003; gnomAD exomes 0.00003; TOPMed 0.00003.
gnomAD v4.1: 57 of 1,595,356 alleles (0.0036%); highest among the groups gnomAD compares: Non-Finnish European, 0.0042%; 1 homozygote.

Submissions (2):

CeGaT Center for Human Genetics Tuebingen
Classification: Likely benign. Last evaluated: 2026-04-01. Review status: criteria provided, single submitter. Criteria: CeGaT Center For Human Genetics Tuebingen Variant Classification Criteria Version 2. Collection method: clinical testing. Allele origin: germline. Affected: yes. Observed: 1 variant allele.
Comment: NT5C2: BS2

Labcorp Genetics (formerly Invitae), Labcorp
Classification: Likely benign for Hereditary spastic paraplegia 45. Last evaluated: 2022-02-03. Review status: criteria provided, single submitter. Criteria: Invitae Variant Classification Sherloc (09022015). Collection method: clinical testing. Allele origin: germline.

NM_001351169.2(NT5C2):c.1685A>G (p.Ter562=)

Genes: NT5C2 (5'-nucleotidase, cytosolic II; minus strand), CNNM2 (cyclin and CBS domain divalent metal cation transport mediator 2; plus strand). Cytogenetic location: 10q24.32.
Variant type: single nucleotide variant.
Coding change: c.1685A>G on transcript NM_001351169.2 (MANE Select); coding-DNA position 1685, A replaced by G.
Protein change: p.Ter562=.
Molecular consequence: synonymous variant. On other transcripts: 3 prime UTR variant (2).
Genome position (GRCh38, 1-based): chr10:103,089,673, T>C on the plus strand (A>G on the coding strand, the complement: NT5C2 is on the minus strand). VCF-style: chr10-103089673-T-C. GRCh37 (hg19) VCF-style: chr10-104849430-T-C.
Other names: c.1685A>G, p.Ter562= (NM_001134373.3, NM_012229.5); c.1709A>G, p.Ter570= (NM_001351170.2, NM_001351171.2, NM_001351172.2 and 1 more transcripts); c.1598A>G, p.Ter533= (NM_001351174.1); c.1592A>G, p.Ter531= (NM_001351175.2); c.1112A>G, p.Ter371= (NM_001351179.2, NM_001351180.2, NM_001351181.2 and 16 more transcripts); c.971A>G, p.Ter324= (NM_001351194.2, NM_001351195.2, NM_001351196.2); c.*12493T>C (NM_017649.5, NM_199076.3).
Identifiers: ClinVar variation 784766 (VCV000784766.11), dbSNP rs536377819, ClinGen allele CA5670693.
Genomic context (GRCh38, chr10:103,089,673, plus strand): 5'-GTTCCTGTGAGTCCTGCCAGGACTTGTTTAATGGGTGCTTGGGGTTTTGGTTTTCCTCCT[T>C]ATTCTTCCTCCTCCTCCTCCTCTTCATCATCATCTTCGTCATGGCAGTGTGTAATTTCCT-3'